The following is an entry in ClinVar:

NM_017763.6(RNF43):c.1381G>A (p.Gly461Arg)

Gene: RNF43 (ring finger protein 43; minus strand). Cytogenetic location: 17q22.
Variant type: single nucleotide variant.
Coding change: c.1381G>A on transcript NM_017763.6 (MANE Select); coding-DNA position 1381, G replaced by A.
Protein change: p.Gly461Arg; replaces glycine 461 with arginine.
Molecular consequence: missense variant.
Genome position (GRCh38, 1-based): chr17:58,358,395, C>T on the plus strand (G>A on the coding strand, the complement: RNF43 is on the minus strand). VCF-style: chr17-58358395-C-T. GRCh37 (hg19) VCF-style: chr17-56435756-C-T.
Other names: c.1381G>A, p.Gly461Arg (NM_001305544.3); c.1000G>A, p.Gly334Arg (NM_001305545.2); short protein forms G334R, G461R.
Identifiers: ClinVar variation 3342313 (VCV003342313.2).
Genomic context (GRCh38, chr17:58,358,395, plus strand): 5'-TGACCACAGAGTCACTGGAAGAGCCATGACAGGGCCCTGAGCTGGAGTCACTGGCTGGCC[C>T]ATCTGCCAGGTACCCACTGCGTTCTGTGCAATAGCTTTCTCCAGATCCACTGCTGTCAGG-3'
Protein context (NP_060233.3, residues 451-471): CTERSGYLAD[Gly461Arg]PASDSSSGPC

ClinVar aggregate classification (germline): Uncertain significance. Review status: criteria provided, multiple submitters, no conflicts (2 of 4 stars). 2 submissions from 2 submitters: Uncertain significance (2). Last evaluated 2024-12-29.

Submissions (2):

Ambry Genetics
Classification: Uncertain significance. Last evaluated: 2024-12-29. Review status: criteria provided, single submitter. Criteria: Ambry Variant Classification Scheme 2023. Collection method: clinical testing. Allele origin: germline.
Comment: The p.G461R variant (also known as c.1381G>A), located in coding exon 8 of the RNF43 gene, results from a G to A substitution at nucleotide position 1381. The glycine at codon 461 is replaced by arginine, an amino acid with dissimilar properties. This amino acid position is conserved. In addition, this alteration is predicted to be tolerated by in silico analysis. Based on the available evidence, the clinical significance of this variant remains unclear.

GeneDx
Classification: Uncertain significance. Last evaluated: 2023-12-07. Review status: criteria provided, single submitter. Criteria: GeneDx Variant Classification Process June 2021. Collection method: clinical testing. Allele origin: germline. Affected: yes.
Comment: Not observed at significant frequency in large population cohorts (gnomAD); In silico analysis supports that this missense variant has a deleterious effect on protein structure/function; Has not been previously published as pathogenic or benign to our knowledge; Variants in candidate genes are classified as variants of uncertain significance in accordance with ACMG guidelines (Richards 2015)